The following is an entry in ClinVar:

NM_000228.3(LAMB3):c.2962C>A (p.Arg988=)

Gene: LAMB3 (laminin subunit beta 3; minus strand). Cytogenetic location: 1q32.2.
Variant type: single nucleotide variant.
Coding change: c.2962C>A on transcript NM_000228.3 (MANE Select); coding-DNA position 2962, C replaced by A.
Protein change: p.Arg988=; no amino-acid change (arginine 988 retained).
Molecular consequence: synonymous variant.
Genome position (GRCh38, 1-based): chr1:209,617,996, G>T on the plus strand (C>A on the coding strand, the complement: LAMB3 is on the minus strand). VCF-style: chr1-209617996-G-T. GRCh37 (hg19) VCF-style: chr1-209791341-G-T.
Other names: c.2962C>A, p.Arg988= (NM_001017402.2, NM_001127641.1).
Identifiers: ClinVar variation 745780 (VCV000745780.35), dbSNP rs2229467, ClinGen allele CA1375034.

ClinVar aggregate classification (germline): Likely benign. Review status: criteria provided, multiple submitters, no conflicts (2 of 4 stars). 3 submissions from 3 submitters: Likely benign (2). 1 of the submissions does not count toward it. Last evaluated 2026-01-18.

Conditions:
LAMB3-related disorder. Also called: LAMB3-related condition.

Allele frequency attached by ClinVar (database versions not stated): TOPMed 0.00014.
gnomAD v4.1: 373 of 1,614,012 alleles (0.023%); highest among the groups gnomAD compares: Non-Finnish European, 0.03%; no homozygotes.

Submissions (3):

Labcorp Genetics (formerly Invitae), Labcorp
Classification: Likely benign. Last evaluated: 2026-01-18. Review status: criteria provided, single submitter. Criteria: Invitae Variant Classification Sherloc (09022015). Collection method: clinical testing. Allele origin: germline.

CeGaT Center for Human Genetics Tuebingen
Classification: Likely benign. Last evaluated: 2022-03-01. Review status: criteria provided, single submitter. Criteria: CeGaT Center For Human Genetics Tuebingen Variant Classification Criteria Version 2. Collection method: clinical testing. Allele origin: germline. Affected: yes. Observed: 1 variant allele.
Comment: LAMB3: BP4, BP7

PreventionGenetics, part of Exact Sciences
Classification: Likely benign for LAMB3-related condition. Last evaluated: 2020-02-14. Review status: no assertion criteria provided. Collection method: clinical testing. Allele origin: germline. Not counted in ClinVar's aggregate classification.
Comment: This variant is classified as likely benign based on ACMG/AMP sequence variant interpretation guidelines (Richards et al. 2015 PMID: 25741868, with internal and published modifications).